The following is an entry in ClinVar:

NM_006767.4(LZTR1):c.1515del (p.Pro506fs)

Gene: LZTR1 (leucine zipper like post translational regulator 1; plus strand). Cytogenetic location: 22q11.21.
Variant type: Deletion.
Coding change: c.1515del on transcript NM_006767.4 (MANE Select); coding-DNA position 1515, one base deleted (G; older notation c.1515delG).
Protein change: p.Pro506fs; shifts the reading frame from proline 506.
Molecular consequence: frameshift variant.
Genome position (GRCh38, 1-based): chr22:20,994,169, G deleted; the last of 2 consecutive G bases (chr22:20,994,168-20,994,169); deleting either gives the same sequence. VCF-style (leftmost placement, unchanged base first): chr22-20994167-CG-C. GRCh37 (hg19) VCF-style: chr22-21348456-CG-C.
Other names: short protein forms P506fs.
Identifiers: ClinVar variation 4752407 (VCV004752407.1).

ClinVar aggregate classification (germline): Pathogenic (1 of 4 stars; one submission).

Submission:

Labcorp Genetics (formerly Invitae), Labcorp
Classification: Pathogenic. Last evaluated: 2025-04-01. Review status: criteria provided, single submitter. Criteria: Invitae Variant Classification Sherloc (09022015). Collection method: clinical testing. Allele origin: germline.
Comment: This sequence change creates a premature translational stop signal (p.Pro506Argfs*50) in the LZTR1 gene. It is expected to result in an absent or disrupted protein product. Loss-of-function variants in LZTR1 are known to be pathogenic (PMID: 24362817, 25335493, 25480913, 25795793, 29469822, 30368668, 30442762, 30442766, 30481304, 30859559). This variant is not present in population databases (gnomAD no frequency). This variant has not been reported in the literature in individuals affected with LZTR1-related conditions. For these reasons, this variant has been classified as Pathogenic.

Literature cited by the submitters: PubMed 24362817; PubMed 25335493; PubMed 25480913; PubMed 25795793; PubMed 29469822; PubMed 30368668; PubMed 30442762; PubMed 30442766; PubMed 30481304; PubMed 30859559.